The following is an entry in ClinVar:

NM_004725.4(BUB3):c.548G>A (p.Arg183His)

Gene: BUB3 (BUB3 mitotic checkpoint protein; plus strand). Cytogenetic location: 10q26.13.
Variant type: single nucleotide variant.
Coding change: c.548G>A on transcript NM_004725.4 (MANE Select); coding-DNA position 548, G replaced by A.
Protein change: p.Arg183His; replaces arginine 183 with histidine.
Molecular consequence: missense variant.
Genome position (GRCh38, 1-based): chr10:123,160,537, G>A. VCF-style: chr10-123160537-G-A. GRCh37 (hg19) VCF-style: chr10-124920053-G-A.
Other names: c.548G>A, p.Arg183His (NM_001007793.3); short protein forms R183H.
Identifiers: ClinVar variation 3262300 (VCV003262300.1).
Genomic context (GRCh38, chr10:123,160,537, plus strand): 5'-ACTTACGGAACATGGGTTACGTGCAGCAGCGCAGGGAGTCCAGCCTGAAATACCAGACTC[G>A]CTGCATACGAGCGTTTCCAAACAAGCAGGTATTGAACTATACCTCCTCTTCTTTCTGGAA-3'
Protein context (NP_004716.1, residues 173-193): RRESSLKYQT[Arg183His]CIRAFPNKQG

ClinVar aggregate classification (germline): Uncertain significance (1 of 4 stars; one submission).

Submission:

Ambry Genetics
Classification: Uncertain significance. Last evaluated: 2024-04-04. Review status: criteria provided, single submitter. Criteria: Ambry Variant Classification Scheme 2023. Collection method: clinical testing. Allele origin: germline.
Comment: The p.R183H variant (also known as c.548G>A), located in coding exon 4 of the BUB3 gene, results from a G to A substitution at nucleotide position 548. The arginine at codon 183 is replaced by histidine, an amino acid with highly similar properties. This amino acid position is conserved. In addition, this alteration is predicted to be deleterious by in silico analysis. Based on the available evidence, the clinical significance of this variant remains unclear.